The following is an entry in ClinVar:

NM_139242.4(MTFMT):c.368T>C (p.Val123Ala)

Gene: MTFMT (mitochondrial methionyl-tRNA formyltransferase; minus strand). Cytogenetic location: 15q22.31.
Variant type: single nucleotide variant.
Coding change: c.368T>C on transcript NM_139242.4 (MANE Select); coding-DNA position 368, T replaced by C.
Protein change: p.Val123Ala; replaces valine 123 with alanine.
Molecular consequence: missense variant.
Genome position (GRCh38, 1-based): chr15:65,026,882, A>G on the plus strand (T>C on the coding strand, the complement: MTFMT is on the minus strand). VCF-style: chr15-65026882-A-G. GRCh37 (hg19) VCF-style: chr15-65319220-A-G.
Other names: short protein forms V123A.
Identifiers: ClinVar variation 3068458 (VCV003068458.2), dbSNP rs750310807, ClinGen allele CA7613383.
Genomic context (GRCh38, chr15:65,026,882, plus strand): 5'-AAAACTTACTAGGGAAATTTAAGAATAAGAGCCTCATTCAAAAGTCGGCCAAACGAAGCC[A>G]CTACTCCAACATCATATTCTCCAGATCCCACATCCGGCCACTCATATACGGGAAGCTGAG-3'
Protein context (NP_640335.2, residues 113-133): VGSGEYDVGV[Val123Ala]ASFGRLLNEA

ClinVar aggregate classification (germline): Uncertain significance (1 of 4 stars; one submission).

Conditions:
Combined oxidative phosphorylation defect type 15. Also called: Combined oxidative phosphorylation deficiency 15. Identifiers: Orphanet 319524, MedGen C4706313, MONDO:0013987, OMIM 614947.

Allele frequency attached by ClinVar (database versions not stated): TOPMed below 0.00001; gnomAD exomes 0.00001; ExAC 0.00002.
gnomAD v4.1: 21 of 1,614,012 alleles (0.0013%); highest among the groups gnomAD compares: Non-Finnish European, 0.0016%; no homozygotes.

Submission:

Institute of Human Genetics, University of Leipzig Medical Center
Classification: Uncertain significance for Combined oxidative phosphorylation defect type 15. Last evaluated: 2024-03-21. Review status: criteria provided, single submitter. Criteria: ACMG Guidelines, 2015. Collection method: clinical testing. Allele origin: paternal. Inheritance: Autosomal recessive inheritance. Affected: yes.
Comment: Criteria applied: PM3,PM2_SUP,PP3